The following is an entry in ClinVar:

ClinVar aggregate classification (germline): Uncertain significance (1 of 4 stars; one submission).

Conditions:
Hereditary cancer-predisposing syndrome. Also called: Neoplastic Syndromes, Hereditary; Tumor predisposition; Hereditary Cancer Syndrome; Hereditary neoplastic syndrome. Identifiers: Orphanet 140162, MedGen C0027672, MeSH D009386, MONDO:0015356.
Cardiovascular phenotype. Identifiers: MedGen CN230736.

Submission:

Ambry Genetics
Classification: Uncertain significance for Cardiovascular phenotype; Hereditary cancer-predisposing syndrome. Last evaluated: 2021-07-27. Review status: criteria provided, single submitter. Criteria: Ambry Variant Classification Scheme 2023. Collection method: clinical testing. Allele origin: germline.
Comment: The p.A1240P variant (also known as c.3718G>C), located in coding exon 28 of the NF1 gene, results from a G to C substitution at nucleotide position 3718. The alanine at codon 1240 is replaced by proline, an amino acid with highly similar properties. This amino acid position is highly conserved in available vertebrate species. In addition, this alteration is predicted to be deleterious by in silico analysis. Since supporting evidence is limited at this time, the clinical significance of this alteration remains unclear.

NM_001042492.3(NF1):c.3718G>C (p.Ala1240Pro)

Gene: NF1 (neurofibromin 1; plus strand). Cytogenetic location: 17q11.2.
Variant type: single nucleotide variant.
Coding change: c.3718G>C on transcript NM_001042492.3 (MANE Select); coding-DNA position 3718, G replaced by C.
Protein change: p.Ala1240Pro; replaces alanine 1240 with proline.
Molecular consequence: missense variant.
Genome position (GRCh38, 1-based): chr17:31,235,620, G>C. VCF-style: chr17-31235620-G-C. GRCh37 (hg19) VCF-style: chr17-29562638-G-C.
Other names: c.3718G>C, p.Ala1240Pro (NM_000267.4); short protein forms A1240P.
Identifiers: ClinVar variation 1734256 (VCV001734256.2), dbSNP rs2151437719, ClinGen allele CA398992312.